The following is an entry in ClinVar:

ClinVar aggregate classification (germline): Uncertain significance (1 of 4 stars; one submission).

Submission:

Labcorp Genetics (formerly Invitae), Labcorp
Classification: Uncertain significance. Last evaluated: 2022-02-02. Review status: criteria provided, single submitter. Criteria: Invitae Variant Classification Sherloc (09022015). Collection method: clinical testing. Allele origin: germline.
Comment: This variant is not present in population databases (gnomAD no frequency). This sequence change replaces alanine, which is neutral and non-polar, with threonine, which is neutral and polar, at codon 564 of the GALNT3 protein (p.Ala564Thr). This variant has not been reported in the literature in individuals affected with GALNT3-related conditions. In summary, the available evidence is currently insufficient to determine the role of this variant in disease. Therefore, it has been classified as a Variant of Uncertain Significance. Algorithms developed to predict the effect of missense changes on protein structure and function are either unavailable or do not agree on the potential impact of this missense change (SIFT: "Tolerated"; PolyPhen-2: "Possibly Damaging"; Align-GVGD: "Class C0").

NM_004482.4(GALNT3):c.1690G>A (p.Ala564Thr)

Gene: GALNT3 (polypeptide N-acetylgalactosaminyltransferase 3; minus strand). Cytogenetic location: 2q24.3.
Variant type: single nucleotide variant.
Coding change: c.1690G>A on transcript NM_004482.4 (MANE Select); coding-DNA position 1690, G replaced by A.
Protein change: p.Ala564Thr; replaces alanine 564 with threonine.
Molecular consequence: missense variant.
Genome position (GRCh38, 1-based): chr2:165,749,831, C>T on the plus strand (G>A on the coding strand, the complement: GALNT3 is on the minus strand). VCF-style: chr2-165749831-C-T. GRCh37 (hg19) VCF-style: chr2-166606341-C-T.
Other names: short protein forms A564T.
Identifiers: ClinVar variation 2047486 (VCV002047486.4), dbSNP rs2467855412, ClinGen allele CA349028608.
Genomic context (GRCh38, chr2:165,749,831, plus strand): 5'-TGACAACTGTCTTGTGACCTTTGTAGGTACATGCCTTCAGCTGAACGAGACCTTGAGCAG[C>T]ATGAAGACATAATTCCTTCTGGATGTTGTGCCGAATTTCATGTTGAGCAGAGTATTCAAA-3'
Protein context (NP_004473.2, residues 554-574): HNIQKELCLH[Ala564Thr]AQGLVQLKAC